The following is an entry in ClinVar:

NM_005334.3(HCFC1):c.2382C>A (p.Ser794=)

Gene: HCFC1 (host cell factor C1; minus strand). Cytogenetic location: Xq28.
Variant type: single nucleotide variant.
Coding change: c.2382C>A on transcript NM_005334.3 (MANE Select); coding-DNA position 2382, C replaced by A.
Protein change: p.Ser794=; no amino-acid change (serine 794 retained).
Molecular consequence: synonymous variant.
Genome position (GRCh38, 1-based): chrX:153,957,032, G>T on the plus strand (C>A on the coding strand, the complement: HCFC1 is on the minus strand). VCF-style: chrX-153957032-G-T. GRCh37 (hg19) VCF-style: chrX-153222483-G-T.
Identifiers: ClinVar variation 382057 (VCV000382057.16), dbSNP rs1051151, ClinGen allele CA10557340.

ClinVar aggregate classification (germline): Benign. Review status: criteria provided, multiple submitters, no conflicts (2 of 4 stars). 5 submissions from 5 submitters: Benign (4). 1 of the submissions does not count toward it. Last evaluated 2026-02-04.

Conditions:
Methylmalonic acidemia with homocystinuria, type cblX (MAHCX). Also called: INTELLECTUAL DEVELOPMENTAL DISORDER, X-LINKED 3. Identifiers: Orphanet 369962, MedGen C0796208, MONDO:0010657, OMIM 309541.
HCFC1-related disorder. Also called: HCFC1-related condition.

Allele frequency attached by ClinVar (database versions not stated): gnomAD exomes 0.00801; ExAC 0.01032; gnomAD 0.03070 and 0.03295; ESP Exome Variant Server 0.03420; 1000 Genomes Project 0.03470; 1000 Genomes Project 30x 0.03538; TOPMed 0.03554.
gnomAD v4.1: 7,200 of 1,207,977 alleles (0.6%); highest among the groups gnomAD compares: African/African-American, 11%; 292 homozygotes.

Submissions (5):

Labcorp Genetics (formerly Invitae), Labcorp
Classification: Benign for Methylmalonic acidemia with homocystinuria, type cblX. Last evaluated: 2026-02-04. Review status: criteria provided, single submitter. Criteria: Invitae Variant Classification Sherloc (09022015). Collection method: clinical testing. Allele origin: germline.

ARUP Laboratories, Molecular Genetics and Genomics, ARUP Laboratories
Classification: Benign for Methylmalonic acidemia with homocystinuria, type cblX. Last evaluated: 2025-06-03. Review status: criteria provided, single submitter. Criteria: ARUP Molecular Germline Variant Investigation Process 2024. Collection method: clinical testing. Allele origin: germline.

GeneDx
Classification: Benign. Last evaluated: 2016-03-08. Review status: criteria provided, single submitter. Criteria: GeneDx Variant Classification (06012015). Collection method: clinical testing. Allele origin: germline. Affected: yes.
Comment: This variant is considered likely benign or benign based on one or more of the following criteria: it is a conservative change, it occurs at a poorly conserved position in the protein, it is predicted to be benign by multiple in silico algorithms, and/or has population frequency not consistent with disease.

Breakthrough Genomics
Classification: Benign. Review status: criteria provided, single submitter. Criteria: ACMG Guidelines, 2015. Collection method: not provided. Allele origin: germline. Inheritance: X-linked inheritance. Affected: yes.

PreventionGenetics, part of Exact Sciences
Classification: Benign for HCFC1-related condition. Last evaluated: 2019-04-11. Review status: no assertion criteria provided. Collection method: clinical testing. Allele origin: germline. Not counted in ClinVar's aggregate classification.
Comment: This variant is classified as benign based on ACMG/AMP sequence variant interpretation guidelines (Richards et al. 2015 PMID: 25741868, with internal and published modifications).